The following is an entry in ClinVar:

ClinVar aggregate classification (germline): Uncertain significance (1 of 4 stars; one submission).

Conditions:
Polycystic kidney disease 2 (PKD2). Also called: POLYCYSTIC KIDNEY DISEASE 2 WITH OR WITHOUT POLYCYSTIC LIVER DISEASE; POLYCYSTIC KIDNEY DISEASE, ADULT, TYPE II; Polycystic Kidney Disease 2, Autosomal Dominant. Identifiers: MedGen C2751306, MONDO:0013131, OMIM 613095.

gnomAD v4.1: 1 of 1,575,802 alleles (0.000063%); highest among the groups gnomAD compares: Non-Finnish European, 0.000087%; no homozygotes.

Submission:

Department of Human Genetics, University Hospital Bern, Inselspital
Classification: Uncertain significance for Polycystic kidney disease 2. Last evaluated: 2025-02-28. Review status: criteria provided, single submitter. Criteria: ACMG Guidelines, 2015. Collection method: clinical testing. Allele origin: de novo. Inheritance: Autosomal dominant inheritance. Affected: yes. Observed: 1 heterozygote.
Comment: The variant has a frequency of 0.0006% in the gnomAD population database (v4.1), and to our knowledge has not been reported in individuals affected by PKD2-related disease.

NM_000297.4(PKD2):c.2051A>G (p.Tyr684Cys)

Gene: PKD2 (polycystin 2, transient receptor potential cation channel; plus strand). Cytogenetic location: 4q22.1.
Variant type: single nucleotide variant.
Coding change: c.2051A>G on transcript NM_000297.4 (MANE Select); coding-DNA position 2051, A replaced by G.
Protein change: p.Tyr684Cys; replaces tyrosine 684 with cysteine.
Molecular consequence: missense variant. On other transcripts: non-coding transcript variant (1).
Genome position (GRCh38, 1-based): chr4:88,061,937, A>G. VCF-style: chr4-88061937-A-G. GRCh37 (hg19) VCF-style: chr4-88983089-A-G.
Other names: short protein forms Y684C.
Identifiers: ClinVar variation 3775016 (VCV003775016.1).
Genomic context (GRCh38, chr4:88,061,937, plus strand): 5'-ATTTTTGCCCTCCTTTCATTTACAAACAGAATATGTTTTTGGCTATCATCAATGATACTT[A>G]CTCTGAAGTGAAATCTGACTTGGCACAGCAGAAAGCTGAAATGGAACTCTCAGATCTTAT-3'
Protein context (NP_000288.1, residues 674-694): NMFLAIINDT[Tyr684Cys]SEVKSDLAQQ